The following is an entry in ClinVar:

ClinVar aggregate classification (germline): Uncertain significance. Review status: criteria provided, multiple submitters, no conflicts (2 of 4 stars). 2 submissions from 2 submitters: Uncertain significance (2). Last evaluated 2025-01-31.

Conditions:
Hereditary cancer-predisposing syndrome. Also called: Tumor predisposition; Hereditary neoplastic syndrome; Neoplastic Syndromes, Hereditary; Hereditary Cancer Syndrome. Identifiers: Orphanet 140162, MedGen C0027672, MeSH D009386, MONDO:0015356.
Bloom syndrome (BLM). Also called: Bloom-Torre-Machacek syndrome. Identifiers: Orphanet 125, MedGen C0005859, MONDO:0008876, OMIM 210900.

Allele frequency attached by ClinVar (database versions not stated): TOPMed below 0.00001.

Submissions (2):

Ambry Genetics
Classification: Uncertain significance for Hereditary cancer-predisposing syndrome. Last evaluated: 2025-01-31. Review status: criteria provided, single submitter. Criteria: Ambry Variant Classification Scheme 2023. Collection method: clinical testing. Allele origin: germline.
Comment: The p.C685Y variant (also known as c.2054G>A), located in coding exon 7 of the BLM gene, results from a G to A substitution at nucleotide position 2054. The cysteine at codon 685 is replaced by tyrosine, an amino acid with highly dissimilar properties. This amino acid position is well conserved in available vertebrate species. In addition, the in silico prediction for this alteration is inconclusive. Since supporting evidence is limited at this time, the clinical significance of this alteration remains unclear.

Labcorp Genetics (formerly Invitae), Labcorp
Classification: Uncertain significance for Bloom syndrome. Last evaluated: 2024-04-12. Review status: criteria provided, single submitter. Criteria: Invitae Variant Classification Sherloc (09022015). Collection method: clinical testing. Allele origin: germline.
Comment: This sequence change replaces cysteine, which is neutral and slightly polar, with tyrosine, which is neutral and polar, at codon 685 of the BLM protein (p.Cys685Tyr). This variant is not present in population databases (gnomAD no frequency). This variant has not been reported in the literature in individuals affected with BLM-related conditions. ClinVar contains an entry for this variant (Variation ID: 859380). Advanced modeling of protein sequence and biophysical properties (such as structural, functional, and spatial information, amino acid conservation, physicochemical variation, residue mobility, and thermodynamic stability) has been performed at Invitae for this missense variant, however the output from this modeling did not meet the statistical confidence thresholds required to predict the impact of this variant on BLM protein function. In summary, the available evidence is currently insufficient to determine the role of this variant in disease. Therefore, it has been classified as a Variant of Uncertain Significance.

NM_000057.4(BLM):c.2054G>A (p.Cys685Tyr)

Gene: BLM (BLM RecQ like helicase; plus strand). Cytogenetic location: 15q26.1.
Variant type: single nucleotide variant.
Coding change: c.2054G>A on transcript NM_000057.4 (MANE Select); coding-DNA position 2054, G replaced by A.
Protein change: p.Cys685Tyr; replaces cysteine 685 with tyrosine.
Molecular consequence: missense variant.
Genome position (GRCh38, 1-based): chr15:90,763,137, G>A. VCF-style: chr15-90763137-G-A. GRCh37 (hg19) VCF-style: chr15-91306367-G-A.
Other names: c.2054G>A, p.Cys685Tyr (NM_001287246.2, NM_001287247.2); c.929G>A, p.Cys310Tyr (NM_001287248.2); short protein forms C310Y, C685Y.
Identifiers: ClinVar variation 859380 (VCV000859380.12), dbSNP rs1896032110, ClinGen allele CA393844448.